The following is an entry in ClinVar:

ClinVar aggregate classification (germline): Uncertain significance (1 of 4 stars; one submission).

Conditions:
Hereditary cancer-predisposing syndrome. Also called: Neoplastic Syndromes, Hereditary; Tumor predisposition; Hereditary Cancer Syndrome; Hereditary neoplastic syndrome. Identifiers: Orphanet 140162, MedGen C0027672, MeSH D009386, MONDO:0015356.

Submission:

Color Diagnostics, LLC DBA Color Health
Classification: Uncertain significance for Hereditary cancer-predisposing syndrome. Last evaluated: 2019-08-01. Review status: criteria provided, single submitter. Criteria: ACMG Guidelines, 2015. Collection method: clinical testing. Allele origin: germline.
Comment: This missense variant replaces asparagine with tyrosine at codon 241 of the PALB2 protein. Computational prediction tools and conservation analyses suggest that this variant may not impact the protein function. Computational splicing tools suggest that this variant may not impact RNA splicing. To our knowledge, functional assays have not been performed for this variant nor has this variant been reported in individuals affected with hereditary cancer in the literature. This variant has not been identified in the general population by the Genome Aggregation Database (gnomAD). Available evidence is insufficient to determine the role of this variant in disease conclusively. Therefore, this variant is classified as a Variant of Uncertain Significance.

NM_024675.4(PALB2):c.721A>T (p.Asn241Tyr)

Gene: PALB2 (partner and localizer of BRCA2; minus strand). Cytogenetic location: 16p12.2.
Variant type: single nucleotide variant.
Coding change: c.721A>T on transcript NM_024675.4 (MANE Select); coding-DNA position 721, A replaced by T.
Protein change: p.Asn241Tyr; replaces asparagine 241 with tyrosine.
Molecular consequence: missense variant.
Genome position (GRCh38, 1-based): chr16:23,635,825, T>A on the plus strand (A>T on the coding strand, the complement: PALB2 is on the minus strand). VCF-style: chr16-23635825-T-A. GRCh37 (hg19) VCF-style: chr16-23647146-T-A.
Other names: short protein forms N241Y.
Identifiers: ClinVar variation 923000 (VCV000923000.3), dbSNP rs113217267, ClinGen allele CA395136300.